The following is an entry in ClinVar:

NM_002185.5(IL7R):c.602A>G (p.Tyr201Cys)

Gene: IL7R (interleukin 7 receptor; plus strand). Cytogenetic location: 5p13.2.
Variant type: single nucleotide variant.
Coding change: c.602A>G on transcript NM_002185.5 (MANE Select); coding-DNA position 602, A replaced by G.
Protein change: p.Tyr201Cys; replaces tyrosine 201 with cysteine.
Molecular consequence: missense variant.
Genome position (GRCh38, 1-based): chr5:35,873,544, A>G. VCF-style: chr5-35873544-A-G. GRCh37 (hg19) VCF-style: chr5-35873646-A-G.
Other names: NM_002185.5(IL7R):c.602A>G; p.Tyr201Cys; short protein forms Y201C.
Identifiers: ClinVar variation 353266 (VCV000353266.17), dbSNP rs145810271, ClinGen allele CA3232036.
Genomic context (GRCh38, chr5:35,873,544, plus strand): 5'-TGAATTTATCCAGCACAAAGCTGACACTCCTGCAGAGAAAGCTCCAACCGGCAGCAATGT[A>G]TGAGATTAAAGTTCGATCCATCCCTGATCACTATTTTAAAGGCTTCTGGAGTGAATGGAG-3'
Protein context (NP_002176.2, residues 191-211): LQRKLQPAAM[Tyr201Cys]EIKVRSIPDH

ClinVar aggregate classification (germline): Likely benign. Review status: reviewed by expert panel (3 of 4 stars). 3 submissions from 3 submitters: Likely benign (1). 2 of the submissions do not count toward it. Last evaluated 2024-01-10.

Conditions:
Immunodeficiency 104. Also called: SCID, AUTOSOMAL RECESSIVE, T CELL-NEGATIVE, B CELL-POSITIVE, NK CELL-POSITIVE; Severe Combined Immune Deficiency, Autosomal Recessive, TCell -Negative, B Cell-Positive, NK Cell-Positive, IL7R-Related; Severe combined immunodeficiency, autosomal recessive, T cell-negative, B cell-positive, NK cell-positive; IMMUNODEFICIENCY 104, SEVERE COMBINED. Identifiers: MedGen C5676890, MONDO:0012163, OMIM 608971.

Allele frequency attached by ClinVar (database versions not stated): ESP Exome Variant Server 0.00008; gnomAD 0.00016 and 0.00017; TOPMed 0.00018; ExAC 0.00026; gnomAD exomes 0.00033.

Submissions (3):

ClinGen Severe Combined Immunodeficiency Variant Curation Expert Panel, ClinGen
Classification: Likely benign for Immunodeficiency 104. Last evaluated: 2024-01-10. Review status: reviewed by expert panel. Criteria: ClinGen SCID ACMG Specifications IL7R V1.0.0. Collection method: curation. Allele origin: germline. Inheritance: Autosomal recessive inheritance.
Comment: NM_002185.5(IL7R):c.602A>G is a missense variant predicted to cause substitution of Tyrosine by Cysteine at amino acid 201 (p.Tyr201Cys). The highest population minor allele frequency in gnomAD v4 is 0.004560 (135/29604) in Ashkenazi Jewish population which is higher than the ClinGen SCID VCEP threshold (>0.00126) for BS1, and therefore meets this criterion (BS1). To our knowledge, this variant has not been reported in the literature in individuals affected with IL7R-related conditions or in functional studies. As per SCID VCEP specifications, 1 Strong criteria is enough to reach Likely Benign classification. In summary, this variant meets the criteria to be classified as a Likely Benign variant for autosomal recessive severe combined immunodeficiency due to IL7R deficiency based on the ACMG/AMP criteria applied, as specified by the ClinGen SCID VCEP: BS1 (VCEP specifications version 1).

Labcorp Genetics (formerly Invitae), Labcorp
Classification: Likely benign for Immunodeficiency 104. Last evaluated: 2026-01-20. Review status: criteria provided, single submitter. Criteria: Invitae Variant Classification Sherloc (09022015). Collection method: clinical testing. Allele origin: germline. Not counted in ClinVar's aggregate classification.

Illumina Laboratory Services, Illumina
Classification: Uncertain significance for Immunodeficiency 104. Last evaluated: 2018-01-13. Review status: criteria provided, single submitter. Criteria: ICSL Variant Classification Criteria 13 December 2019. Collection method: clinical testing. Allele origin: germline. Not counted in ClinVar's aggregate classification.